The following is an entry in ClinVar:

ClinVar aggregate classification (germline): Likely benign. Review status: criteria provided, multiple submitters, no conflicts (2 of 4 stars). 3 submissions from 3 submitters: Likely benign (3). Last evaluated 2025-10-29.

Conditions:
Glycogen storage disease, type II (IOPD). Also called: Pompe Disease; CARDIOMEGALIA GLYCOGENICA DIFFUSA; GLYCOGENOSIS, GENERALIZED, CARDIAC FORM; GSD II; POMPE DISEASE, INFANTILE-ONSET; GLYCOGEN STORAGE DISEASE II, INFANTILE-ONSET. Identifiers: Orphanet 365, MedGen C0017921, MONDO:0009290, OMIM 232300.
Cardiovascular phenotype. Identifiers: MedGen CN230736.

Allele frequency attached by ClinVar (database versions not stated): TOPMed below 0.00001; ExAC 0.00001; gnomAD 0.00001; gnomAD exomes 0.00001.
gnomAD v4.1: 22 of 1,611,686 alleles (0.0014%); highest among the groups gnomAD compares: Non-Finnish European, 0.0018%; no homozygotes.

Submissions (3):

Labcorp Genetics (formerly Invitae), Labcorp
Classification: Likely benign for Glycogen storage disease, type II. Last evaluated: 2025-10-29. Review status: criteria provided, single submitter. Criteria: Invitae Variant Classification Sherloc (09022015). Collection method: clinical testing. Allele origin: germline.

Ambry Genetics
Classification: Likely benign for Cardiovascular phenotype. Last evaluated: 2025-04-14. Review status: criteria provided, single submitter. Criteria: Ambry Variant Classification Scheme 2023. Collection method: clinical testing. Allele origin: germline.

CeGaT Center for Human Genetics Tuebingen
Classification: Likely benign. Last evaluated: 2022-12-01. Review status: criteria provided, single submitter. Criteria: CeGaT Center For Human Genetics Tuebingen Variant Classification Criteria Version 2. Collection method: clinical testing. Allele origin: germline. Affected: yes. Observed: 1 variant allele.
Comment: GAA: BP4, BP7

NM_000152.5(GAA):c.2544C>T (p.Thr848=)

Gene: GAA (alpha glucosidase; plus strand). Cytogenetic location: 17q25.3.
Variant type: single nucleotide variant.
Coding change: c.2544C>T on transcript NM_000152.5 (MANE Select); coding-DNA position 2544, C replaced by T.
Protein change: p.Thr848=; no amino-acid change (threonine 848 retained).
Molecular consequence: synonymous variant.
Genome position (GRCh38, 1-based): chr17:80,118,255, C>T. VCF-style: chr17-80118255-C-T. GRCh37 (hg19) VCF-style: chr17-78092054-C-T.
Other names: c.2544C>T, p.Thr848= (NM_001079803.3, NM_001079804.3).
Identifiers: ClinVar variation 716267 (VCV000716267.31), dbSNP rs776487269, ClinGen allele CA8815782.
Genomic context (GRCh38, chr17:80,118,255, plus strand): 5'-CCCTGGCCTCACAACCACAGAGTCCCGCCAGCAGCCCATGGCCCTGGCTGTGGCCCTGAC[C>T]AAGGGTGGGGAGGCCCGAGGGGAGCTGTTCTGGGACGATGGAGAGAGCCTGGAAGTGCTG-3'
Protein context (NP_000143.2, residues 838-858): QQPMALAVAL[Thr848=]KGGEARGELF